The following is an entry in ClinVar:

NM_007215.4(POLG2):c.434T>C (p.Phe145Ser)

Genes: MILR1 (mast cell immunoglobulin like receptor 1; plus strand), POLG2 (DNA polymerase gamma 2, accessory subunit; minus strand). Cytogenetic location: 17q23.3.
Variant type: single nucleotide variant.
Coding change: c.434T>C on transcript NM_007215.4 (MANE Select); coding-DNA position 434, T replaced by C.
Protein change: p.Phe145Ser; replaces phenylalanine 145 with serine.
Molecular consequence: missense variant.
Genome position (GRCh38, 1-based): chr17:64,496,535, A>G on the plus strand (T>C on the coding strand, the complement: POLG2 is on the minus strand). VCF-style: chr17-64496535-A-G. GRCh37 (hg19) VCF-style: chr17-62492653-A-G.
Other names: short protein forms F145S.
Identifiers: ClinVar variation 4717669 (VCV004717669.1).

ClinVar aggregate classification (germline): Uncertain significance (1 of 4 stars; one submission).

Submission:

Labcorp Genetics (formerly Invitae), Labcorp
Classification: Uncertain significance. Last evaluated: 2025-04-22. Review status: criteria provided, single submitter. Criteria: Invitae Variant Classification Sherloc (09022015). Collection method: clinical testing. Allele origin: germline.
Comment: This sequence change replaces phenylalanine, which is neutral and non-polar, with serine, which is neutral and polar, at codon 145 of the POLG2 protein (p.Phe145Ser). This variant is not present in population databases (gnomAD no frequency). This variant has not been reported in the literature in individuals affected with POLG2-related conditions. An algorithm developed to predict the effect of missense changes on protein structure and function (PolyPhen-2) suggests that this variant is likely to be disruptive. In summary, the available evidence is currently insufficient to determine the role of this variant in disease. Therefore, it has been classified as a Variant of Uncertain Significance.